The following is an entry in ClinVar:

NM_007294.4(BRCA1):c.1493T>C (p.Leu498Pro)

Gene: BRCA1 (BRCA1 DNA repair associated; minus strand). Cytogenetic location: 17q21.31.
Variant type: single nucleotide variant.
Coding change: c.1493T>C on transcript NM_007294.4 (MANE Select); coding-DNA position 1493, T replaced by C.
Protein change: p.Leu498Pro; replaces leucine 498 with proline.
Molecular consequence: missense variant. On other transcripts: intron variant (137).
Genome position (GRCh38, 1-based): chr17:43,094,038, A>G on the plus strand (T>C on the coding strand, the complement: BRCA1 is on the minus strand). VCF-style: chr17-43094038-A-G. GRCh37 (hg19) VCF-style: chr17-41246055-A-G.
Other names: c.1280T>C, p.Leu427Pro (NM_001407571.1, NM_001407853.1, NM_001407894.1 and 9 more transcripts); c.1493T>C, p.Leu498Pro (NM_001407581.1, NM_001407582.1, NM_001407583.1 and 30 more transcripts); c.1490T>C, p.Leu497Pro (NM_001407587.1, NM_001407590.1, NM_001407591.1 and 22 more transcripts); c.1484T>C, p.Leu495Pro (NM_001407646.1, NM_001407647.1); c.1370T>C, p.Leu457Pro (NM_001407648.1, NM_001407664.1, NM_001407665.1 and 19 more transcripts); c.1367T>C, p.Leu456Pro (NM_001407649.1, NM_001407670.1, NM_001407671.1 and 11 more transcripts); c.1415T>C, p.Leu472Pro (NM_001407653.1, NM_001407654.1, NM_001407655.1 and 4 more transcripts); c.1412T>C, p.Leu471Pro (NM_001407659.1, NM_001407660.1, NM_001407661.1 and 1 more transcripts); and 40 more; short protein forms L202P, L330P, L370P, L371P, L386P, L387P, L409P, L410P.
Identifiers: ClinVar variation 3226103 (VCV003226103.1), dbSNP rs2552206151, ClinGen allele CA10599060.

ClinVar aggregate classification (germline): Uncertain significance (1 of 4 stars; one submission).

Conditions:
Hereditary cancer-predisposing syndrome. Also called: Neoplastic Syndromes, Hereditary; Tumor predisposition; Hereditary neoplastic syndrome; Hereditary Cancer Syndrome. Identifiers: Orphanet 140162, MedGen C0027672, MeSH D009386, MONDO:0015356.

Submission:

Ambry Genetics
Classification: Uncertain significance for Hereditary cancer-predisposing syndrome. Last evaluated: 2024-02-16. Review status: criteria provided, single submitter. Criteria: Ambry Variant Classification Scheme 2023. Collection method: clinical testing. Allele origin: germline.
Comment: The p.L498P variant (also known as c.1493T>C), located in coding exon 9 of the BRCA1 gene, results from a T to C substitution at nucleotide position 1493. The leucine at codon 498 is replaced by proline, an amino acid with similar properties. This amino acid position is well conserved in available vertebrate species. In addition, the in silico prediction for this alteration is inconclusive. Based on the available evidence, the clinical significance of this alteration remains unclear.